The following is an entry in ClinVar:

NM_173354.5(SIK1):c.1784G>A (p.Arg595Gln)

Gene: SIK1 (salt inducible kinase 1; minus strand). Cytogenetic location: 21q22.3.
Variant type: single nucleotide variant.
Coding change: c.1784G>A on transcript NM_173354.5 (MANE Select); coding-DNA position 1784, G replaced by A.
Protein change: p.Arg595Gln; replaces arginine 595 with glutamine.
Molecular consequence: missense variant.
Genome position (GRCh38, 1-based): chr21:43,417,735, C>T on the plus strand (G>A on the coding strand, the complement: SIK1 is on the minus strand). VCF-style: chr21-43417735-C-T. GRCh37 (hg19) VCF-style: chr21-44837615-C-T.
Other names: c.1784G>A (NM_173354.3); short protein forms R595Q.
Identifiers: ClinVar variation 1372665 (VCV001372665.9), dbSNP rs1163252803, ClinGen allele CA410607305.

ClinVar aggregate classification (germline): Conflicting classifications of pathogenicity. Review status: criteria provided, conflicting classifications (1 of 4 stars). 2 submissions from 2 submitters: Uncertain significance (1); Likely benign (1). Last evaluated 2025-10-02.

Conditions:
Inborn genetic diseases. Identifiers: MedGen C0950123, MeSH D030342.
Developmental and epileptic encephalopathy, 30 (DEE30). Also called: Epileptic encephalopathy, early infantile, 30. Identifiers: MedGen C4225360, MONDO:0014595, OMIM 616341.

Allele frequency attached by ClinVar (database versions not stated): gnomAD exomes 0.00003.

Submissions (2):

Labcorp Genetics (formerly Invitae), Labcorp
Classification: Uncertain significance for Developmental and epileptic encephalopathy, 30. Last evaluated: 2025-10-02. Review status: criteria provided, single submitter. Criteria: Invitae Variant Classification Sherloc (09022015). Collection method: clinical testing. Allele origin: germline.
Comment: This sequence change replaces arginine, which is basic and polar, with glutamine, which is neutral and polar, at codon 595 of the SIK1 protein (p.Arg595Gln). The frequency data for this variant in the population databases is considered unreliable, as metrics indicate poor data quality at this position in the gnomAD database. This variant has not been reported in the literature in individuals affected with SIK1-related conditions. ClinVar contains an entry for this variant (Variation ID: 1372665). Invitae Evidence Modeling of protein sequence and biophysical properties (such as structural, functional, and spatial information, amino acid conservation, physicochemical variation, residue mobility, and thermodynamic stability) indicates that this missense variant is not expected to disrupt SIK1 protein function with a negative predictive value of 95%. In summary, the available evidence is currently insufficient to determine the role of this variant in disease. Therefore, it has been classified as a Variant of Uncertain Significance.

Ambry Genetics
Classification: Likely benign for Inborn genetic diseases. Last evaluated: 2025-02-10. Review status: criteria provided, single submitter. Criteria: Ambry Variant Classification Scheme 2023. Collection method: clinical testing. Allele origin: germline.